The following is an entry in ClinVar:

NM_003242.6(TGFBR2):c.705C>T (p.Ile235=)

Gene: TGFBR2 (transforming growth factor beta receptor 2; plus strand). Cytogenetic location: 3p24.1.
Variant type: single nucleotide variant.
Coding change: c.705C>T on transcript NM_003242.6 (MANE Select); coding-DNA position 705, C replaced by T.
Protein change: p.Ile235=; no amino-acid change (isoleucine 235 retained).
Molecular consequence: synonymous variant. On other transcripts: intron variant (1).
Genome position (GRCh38, 1-based): chr3:30,671,888, C>T. VCF-style: chr3-30671888-C-T. GRCh37 (hg19) VCF-style: chr3-30713380-C-T.
Other names: c.780C>T, p.Ile260= (NM_001024847.3); c.888C>T, p.Ile296= (NM_001407126.1); c.813C>T, p.Ile271= (NM_001407127.1); c.732C>T, p.Ile244= (NM_001407128.1); c.708C>T, p.Ile236= (NM_001407129.1); c.705C>T, p.Ile235= (NM_001407130.1); c.600C>T, p.Ile200= (NM_001407132.1, NM_001407133.1, NM_001407134.1 and 2 more transcripts); c.420C>T, p.Ile140= (NM_001407137.1); and 3 more.
Identifiers: ClinVar variation 1652075 (VCV001652075.11), dbSNP rs1699345595, ClinGen allele CA433058526.

ClinVar aggregate classification (germline): Likely benign. Review status: criteria provided, multiple submitters, no conflicts (2 of 4 stars). 3 submissions from 3 submitters: Likely benign (3). Last evaluated 2026-03-12.

Conditions:
Familial thoracic aortic aneurysm and aortic dissection (TAAD). Also called: Thoracic aortic aneurysms and dissections. Identifiers: Orphanet 91387, MedGen C4707243, MONDO:0019625.
Loeys-Dietz syndrome 2 (LDS2). Also called: Marfan Syndrome type 2; Marfan like connective tissue disorder; MFS 2; TGFBR2-Related Loeys-Dietz Syndrome; AORTIC ANEURYSM, FAMILIAL THORACIC 3; MARFAN SYNDROME, TYPE II. Identifiers: Orphanet 284973, Orphanet 558, MedGen C2674574, MONDO:0012427, OMIM 610168.

Allele frequency attached by ClinVar (database versions not stated): TOPMed 0.00001; gnomAD exomes below 0.00001; gnomAD 0.00001.
gnomAD v4.1: 3 of 1,614,112 alleles (0.00019%); highest among the groups gnomAD compares: African/African-American, 0.004%; no homozygotes.

Submissions (3):

Ambry Genetics
Classification: Likely benign for Familial thoracic aortic aneurysm and aortic dissection. Last evaluated: 2026-03-12. Review status: criteria provided, single submitter. Criteria: Ambry Variant Classification Scheme 2023. Collection method: clinical testing. Allele origin: germline.

All of Us Research Program, National Institutes of Health
Classification: Likely benign for Loeys-Dietz syndrome 2. Last evaluated: 2023-06-08. Review status: criteria provided, single submitter. Criteria: ACMG Guidelines, 2015. Collection method: clinical testing. Allele origin: germline. Inheritance: Autosomal dominant inheritance. Observed: 1 variant allele, 1 heterozygote.
Comment: This study involves interpretation of variants in research participants for the purpose of population health screening. Participant phenotype was not available at the time of variant classification. Additional details can be found in publication PMID: 35346344, PMCID: PMC8962531

Labcorp Genetics (formerly Invitae), Labcorp
Classification: Likely benign for Familial thoracic aortic aneurysm and aortic dissection. Last evaluated: 2022-12-06. Review status: criteria provided, single submitter. Criteria: Invitae Variant Classification Sherloc (09022015). Collection method: clinical testing. Allele origin: germline.